The following is an entry in ClinVar:

NM_001127511.3(APC):c.-76G>T

Gene: APC (APC regulator of Wnt signaling pathway; plus strand). Cytogenetic location: 5q22.2.
Variant type: single nucleotide variant.
Coding change: c.-76G>T on transcript NM_001127511.3; 76 bases upstream of the start codon, G replaced by T.
Molecular consequence: 5 prime UTR variant. On other transcripts: non-coding transcript variant (2).
Genome position (GRCh38, 1-based): chr5:112,707,642, G>T. VCF-style: chr5-112707642-G-T. GRCh37 (hg19) VCF-style: chr5-112043339-G-T.
Other names: c.-259G>T (NM_001354895.2, NM_001407447.1, NM_001407452.1 and 3 more transcripts); c.-76G>T (NM_001354897.2, NM_001354902.2, NM_001407446.1); c.-26G>T (NM_001407448.1, NM_001407450.1, NM_001407457.1 and 1 more transcripts); c.-50G>T (NM_001407453.1); c.-1294G>T (NM_001407470.1, NM_001407472.1).
Identifiers: ClinVar variation 1044653 (VCV001044653.9), dbSNP rs1750592062, ClinGen allele CA1573442582.

ClinVar aggregate classification (germline): Uncertain significance (1 of 4 stars; one submission).

Conditions:
Familial adenomatous polyposis 1 (FAP1). Also called: FAMILIAL ADENOMATOUS POLYPOSIS 1, ATTENUATED; POLYPOSIS, ADENOMATOUS INTESTINAL. Identifiers: MedGen C2713442, MONDO:0021056, OMIM 175100. Disease mechanism: loss of function.

Submission:

Labcorp Genetics (formerly Invitae), Labcorp
Classification: Uncertain significance for Familial adenomatous polyposis 1. Last evaluated: 2019-01-23. Review status: criteria provided, single submitter. Criteria: Invitae Variant Classification Sherloc (09022015). Collection method: clinical testing. Allele origin: germline.
Comment: The frequency data for this variant in the population databases is considered unreliable, as metrics indicate insufficient coverage at this position in the ExAC database. In summary, the available evidence is currently insufficient to determine the role of this variant in disease. Therefore, it has been classified as a Variant of Uncertain Significance. Experimental studies and prediction algorithms are not available for this variant, and the functional significance of this non-coding change is currently unknown. This variant has not been reported in the literature in individuals with APC-related conditions. This variant occurs in a non-coding region of the APC gene. It does not change the encoded amino acid sequence of the APC protein.